The following is an entry in ClinVar:

NM_022124.6(CDH23):c.9799C>T (p.Arg3267Cys)

Gene: CDH23 (cadherin related 23; plus strand). Cytogenetic location: 10q22.1.
Variant type: single nucleotide variant.
Coding change: c.9799C>T on transcript NM_022124.6 (MANE Select); coding-DNA position 9799, C replaced by T.
Protein change: p.Arg3267Cys; replaces arginine 3267 with cysteine.
Molecular consequence: missense variant.
Genome position (GRCh38, 1-based): chr10:71,815,012, C>T. VCF-style: chr10-71815012-C-T. GRCh37 (hg19) VCF-style: chr10-73574769-C-T.
Other names: c.3079C>T, p.Arg1027Cys (NM_001171933.1); c.2974C>T, p.Arg992Cys (NM_001171934.1); c.490C>T, p.Arg164Cys (NM_001171935.1); c.385C>T, p.Arg129Cys (NM_001171936.1); short protein forms R3267C, R1027C, R129C, R164C, R992C.
Identifiers: ClinVar variation 300476 (VCV000300476.12), dbSNP rs201727938, ClinGen allele CA5547178.

ClinVar aggregate classification (germline): Uncertain significance. Review status: criteria provided, multiple submitters, no conflicts (2 of 4 stars). 6 submissions from 5 submitters: Uncertain significance (6). Last evaluated 2026-08-06.

Conditions:
Autosomal recessive nonsyndromic hearing loss 12. Also called: DEAFNESS, AUTOSOMAL RECESSIVE 12. Identifiers: Orphanet 90636, MedGen C1832394, MONDO:0011067, OMIM 601386.
Usher syndrome type 1D (USH1D). Also called: USHER SYNDROME, TYPE ID. Identifiers: Orphanet 231169, Orphanet 886, MedGen C1832845, MONDO:0010984, OMIM 601067.

Allele frequency attached by ClinVar (database versions not stated): ESP Exome Variant Server 0.00024; gnomAD exomes 0.00005; gnomAD 0.00016; TOPMed 0.00018; 1000 Genomes Project 0.00020; ExAC 0.00006; 1000 Genomes Project 30x 0.00016.
gnomAD v4.1: 97 of 1,612,208 alleles (0.006%); highest among the groups gnomAD compares: Middle Eastern, 0.05%; no homozygotes.

Submissions (6):

OLLIN Analises Genomicas, OLLIN
Classification: Uncertain significance for Autosomal recessive nonsyndromic hearing loss 12. Last evaluated: 2026-08-06. Review status: criteria provided, single submitter. Criteria: ACMG Guidelines 2015 PMID 25741868. Collection method: clinical testing. Allele origin: germline. Inheritance: Autosomal recessive inheritance.
Comment: This missense variant, located in exon 70 (of 70), has been reported in ClinVar (accession VCV000300476.9) and in gnomAD with an allele frequency of 0.00602%. However, to our knowledge, it has not been reported in the scientific literature. In silico analysis predicts that this variant has a deleterious effect. According to the currently available evidence, this variant has been classified as uncertain significance (PP3).

GeneDx
Classification: Uncertain significance. Last evaluated: 2025-03-05. Review status: criteria provided, single submitter. Criteria: GeneDx Variant Classification Process June 2021. Collection method: clinical testing. Allele origin: germline.
Comment: In silico analysis indicates that this missense variant does not alter protein structure/function; Has not been previously published as pathogenic or benign to our knowledge

Blueprint Genetics
Classification: Uncertain significance. Last evaluated: 2024-08-07. Review status: criteria provided, single submitter. Criteria: ACMG Guidelines, 2015. Collection method: clinical testing. Allele origin: germline.

Labcorp Genetics (formerly Invitae), Labcorp
Classification: Uncertain significance. Last evaluated: 2024-01-08. Review status: criteria provided, single submitter. Criteria: Invitae Variant Classification Sherloc (09022015). Collection method: clinical testing. Allele origin: germline.
Comment: This sequence change replaces arginine, which is basic and polar, with cysteine, which is neutral and slightly polar, at codon 3267 of the CDH23 protein (p.Arg3267Cys). This variant is present in population databases (rs201727938, gnomAD 0.04%). This variant has not been reported in the literature in individuals affected with CDH23-related conditions. ClinVar contains an entry for this variant (Variation ID: 300476). Advanced modeling of protein sequence and biophysical properties (such as structural, functional, and spatial information, amino acid conservation, physicochemical variation, residue mobility, and thermodynamic stability) performed at Invitae indicates that this missense variant is not expected to disrupt CDH23 protein function with a negative predictive value of 95%. In summary, the available evidence is currently insufficient to determine the role of this variant in disease. Therefore, it has been classified as a Variant of Uncertain Significance.

Illumina Laboratory Services, Illumina
Classification: Uncertain significance for Usher syndrome type 1D. Last evaluated: 2018-01-12. Review status: criteria provided, single submitter. Criteria: ICSL Variant Classification Criteria 13 December 2019. Collection method: clinical testing. Allele origin: germline.

Illumina Laboratory Services, Illumina
Classification: Uncertain significance for Autosomal recessive nonsyndromic hearing loss 12. Last evaluated: 2018-01-12. Review status: criteria provided, single submitter. Criteria: ICSL Variant Classification Criteria 13 December 2019. Collection method: clinical testing. Allele origin: germline.